The following is an entry in ClinVar:

ClinVar aggregate classification (germline): Benign/Likely benign. Review status: criteria provided, multiple submitters, no conflicts (2 of 4 stars). 11 submissions from 11 submitters: Benign (8); Likely benign (1). 2 of the submissions do not count toward it. Last evaluated 2026-02-04.

Conditions:
Cardiovascular phenotype. Identifiers: MedGen CN230736.
Episodic pain syndrome, familial, 2 (FEPS2). Identifiers: Orphanet 306577, MedGen C3809893, MONDO:0014246, OMIM 615551.
Brugada syndrome. Also called: Sudden unexpected nocturnal death syndrome; Sudden unexplained nocturnal death syndrome; Sudden Unexplained Death Syndrome; Sudden Unexplained Nocturnal Death Syndrome (SUNDS). Identifiers: Orphanet 130, MedGen C1142166, MONDO:0015263.

Allele frequency attached by ClinVar (database versions not stated): TOPMed 0.20857; 1000 Genomes Project 30x 0.21627; gnomAD 0.21722 and 0.21993; 1000 Genomes Project 0.21965; ESP Exome Variant Server 0.21998; gnomAD exomes 0.23995 and 0.25030; ExAC 0.27904.

Submissions (11):

Labcorp Genetics (formerly Invitae), Labcorp
Classification: Benign for Brugada syndrome. Last evaluated: 2026-02-04. Review status: criteria provided, single submitter. Criteria: Invitae Variant Classification Sherloc (09022015). Collection method: clinical testing. Allele origin: germline.

Women's Health and Genetics/Laboratory Corporation of America, LabCorp
Classification: Likely benign. Last evaluated: 2023-04-09. Review status: criteria provided, single submitter. Criteria: LabCorp Variant Classification Summary - May 2015. Collection method: clinical testing. Allele origin: germline.

Genome-Nilou Lab
Classification: Benign for Episodic pain syndrome, familial, 2. Last evaluated: 2021-07-15. Review status: criteria provided, single submitter. Criteria: ACMG Guidelines, 2015. Collection method: clinical testing. Allele origin: germline. Affected: no.

Ambry Genetics
Classification: Benign for Cardiovascular phenotype. Last evaluated: 2018-12-21. Review status: criteria provided, single submitter. Criteria: Ambry Variant Classification Scheme 2023. Collection method: clinical testing. Allele origin: germline.

Mayo Clinic Laboratories, Mayo Clinic
Classification: Benign. Last evaluated: 2017-07-25. Review status: criteria provided, single submitter. Criteria: ACMG Guidelines, 2015. Collection method: clinical testing. Allele origin: germline. Observed: 624 variant alleles.

GeneDx
Classification: Benign. Last evaluated: 2016-09-23. Review status: criteria provided, single submitter. Criteria: GeneDx Variant Classification (06012015). Collection method: clinical testing. Allele origin: germline. Affected: yes.
Comment: This variant is considered likely benign or benign based on one or more of the following criteria: it is a conservative change, it occurs at a poorly conserved position in the protein, it is predicted to be benign by multiple in silico algorithms, and/or has population frequency not consistent with disease.

Molecular Diagnostic Laboratory for Inherited Cardiovascular Disease, Montreal Heart Institute
Classification: Benign. Last evaluated: 2016-06-10. Review status: criteria provided, single submitter. Criteria: ACMG Guidelines, 2015. Collection method: clinical testing. Allele origin: germline. Affected: yes.

Breakthrough Genomics
Classification: Benign. Review status: criteria provided, single submitter. Criteria: ACMG Guidelines, 2015. Collection method: not provided. Allele origin: germline. Inheritance: Autosomal dominant inheritance. Affected: yes.

PreventionGenetics, part of Exact Sciences
Classification: Benign. Review status: criteria provided, single submitter. Criteria: ACMG Guidelines, 2015. Collection method: clinical testing. Allele origin: germline.

Clinical Genetics, Academic Medical Center
Classification: Benign. Review status: no assertion criteria provided. Collection method: clinical testing. Allele origin: germline. Affected: yes. Study: VKGL Data-share Consensus. Not counted in ClinVar's aggregate classification.

Joint Genome Diagnostic Labs from Nijmegen and Maastricht, Radboudumc and MUMC+
Classification: Benign. Review status: no assertion criteria provided. Collection method: clinical testing. Allele origin: germline. Affected: yes. Study: VKGL Data-share Consensus. Not counted in ClinVar's aggregate classification.

NM_006514.4(SCN10A):c.3275T>C (p.Leu1092Pro)

Genes: SCN10A (sodium voltage-gated channel alpha subunit 10; minus strand), LOC110121288 (VISTA enhancer hs2268; plus strand). Cytogenetic location: 3p22.2.
Variant type: single nucleotide variant.
Coding change: c.3275T>C on transcript NM_006514.4 (MANE Select); coding-DNA position 3275, T replaced by C.
Protein change: p.Leu1092Pro; replaces leucine 1092 with proline.
Molecular consequence: missense variant.
Genome position (GRCh38, 1-based): chr3:38,723,507, A>G on the plus strand (T>C on the coding strand, the complement: SCN10A is on the minus strand). VCF-style: chr3-38723507-A-G. GRCh37 (hg19) VCF-style: chr3-38764998-A-G.
Other names: c.3272T>C, p.Leu1091Pro (NM_001293306.2); c.2981T>C, p.Leu994Pro (NM_001293307.2); short protein forms L1092P, L1091P, L994P.
Identifiers: ClinVar variation 259997 (VCV000259997.22), dbSNP rs12632942, ClinGen allele CA2320282.